The following is an entry in ClinVar:

NM_001378454.1(ALMS1):c.10987T>G (p.Trp3663Gly)

Gene: ALMS1 (ALMS1 centrosome and basal body associated protein; plus strand). Cytogenetic location: 2p13.1.
Variant type: single nucleotide variant.
Coding change: c.10987T>G on transcript NM_001378454.1 (MANE Select); coding-DNA position 10987, T replaced by G.
Protein change: p.Trp3663Gly; replaces tryptophan 3663 with glycine.
Molecular consequence: missense variant.
Genome position (GRCh38, 1-based): chr2:73,572,864, T>G. VCF-style: chr2-73572864-T-G. GRCh37 (hg19) VCF-style: chr2-73799991-T-G.
Other names: c.10990T>G, p.Trp3664Gly (NM_015120.4); short protein forms W3664G, W3663G.
Identifiers: ClinVar variation 1424840 (VCV001424840.3), dbSNP rs748921342, ClinGen allele CA1715098.

ClinVar aggregate classification (germline): Uncertain significance (1 of 4 stars; one submission).

Conditions:
Alstrom syndrome (ALMS). Identifiers: Orphanet 64, MedGen C0268425, MONDO:0008763, OMIM 203800.

Allele frequency attached by ClinVar (database versions not stated): gnomAD exomes below 0.00001; TOPMed below 0.00001; ExAC 0.00001.
gnomAD v4.1: 3 of 1,613,954 alleles (0.00019%); highest among the groups gnomAD compares: Admixed American, 0.0017%; no homozygotes.

Submission:

Labcorp Genetics (formerly Invitae), Labcorp
Classification: Uncertain significance for Alstrom syndrome. Last evaluated: 2022-06-13. Review status: criteria provided, single submitter. Criteria: Invitae Variant Classification Sherloc (09022015). Collection method: clinical testing. Allele origin: germline.
Comment: This sequence change replaces tryptophan with glycine at codon 3664 of the ALMS1 protein (p.Trp3664Gly). The tryptophan residue is moderately conserved and there is a large physicochemical difference between tryptophan and glycine. This variant is present in population databases (rs748921342, gnomAD 0.003%). This variant has not been reported in the literature in individuals affected with ALMS1-related conditions. Experimental studies and prediction algorithms are not available or were not evaluated, and the functional significance of this variant is currently unknown. In summary, the available evidence is currently insufficient to determine the role of this variant in disease. Therefore, it has been classified as a Variant of Uncertain Significance.